The following is an entry in ClinVar:

NM_014141.6(CNTNAP2):c.98-19_98-16del

Gene: CNTNAP2 (contactin associated protein 2; plus strand). Cytogenetic location: 7q35.
Variant type: Microsatellite.
Coding change: c.98-19_98-16del on transcript NM_014141.6 (MANE Select); 19 bases into the intron before coding-DNA position 98 through 16 bases into the intron before coding-DNA position 98, 4 bases deleted (CTCT; older notation c.98-19_98-16delCTCT).
Molecular consequence: intron variant.
Genome position (GRCh38, 1-based): chr7:146,774,252-146,774,255, CTCT deleted; deleting any 4 consecutive bases within chr7:146,774,250-146,774,255 gives the same sequence; the c. name uses the placement nearest the transcript's 3' end. VCF-style (leftmost placement, unchanged base first): chr7-146774249-CCTCT-C. GRCh37 (hg19) VCF-style: chr7-146471341-CCTCT-C.
Other names: c.98-19_98-16delCTCT (NM_014141.5).
Identifiers: ClinVar variation 205224 (VCV000205224.10), dbSNP rs796052367, ClinGen allele CA314084.

ClinVar aggregate classification (germline): Benign/Likely benign. Review status: criteria provided, multiple submitters, no conflicts (2 of 4 stars). 3 submissions from 3 submitters: Benign (2); Likely benign (1). Last evaluated 2026-01-26.

Conditions:
Cortical dysplasia-focal epilepsy syndrome (PTHSL1). Also called: Pitt-Hopkins-like syndrome 1. Identifiers: Orphanet 163681, Orphanet 221150, MedGen C2750246, MONDO:0012400, OMIM 610042.

Submissions (3):

Labcorp Genetics (formerly Invitae), Labcorp
Classification: Benign for Cortical dysplasia-focal epilepsy syndrome. Last evaluated: 2026-01-26. Review status: criteria provided, single submitter. Criteria: Invitae Variant Classification Sherloc (09022015). Collection method: clinical testing. Allele origin: germline.

Blueprint Genetics
Classification: Likely benign. Last evaluated: 2024-11-11. Review status: criteria provided, single submitter. Criteria: ACMG Guidelines, 2015. Collection method: clinical testing. Allele origin: germline.

GeneDx
Classification: Benign. Last evaluated: 2014-08-26. Review status: criteria provided, single submitter. Criteria: GeneDx Variant Classification (06012015). Collection method: clinical testing. Allele origin: germline. Affected: yes.
Comment: The variant is found in EPILEPSY,INFANT-EPI panel(s).